The following is an entry in ClinVar:

NM_033026.6(PCLO):c.13612C>A (p.Leu4538Ile)

Gene: PCLO (piccolo presynaptic cytomatrix protein; minus strand). Cytogenetic location: 7q21.11.
Variant type: single nucleotide variant.
Coding change: c.13612C>A on transcript NM_033026.6 (MANE Select); coding-DNA position 13612, C replaced by A.
Protein change: p.Leu4538Ile; replaces leucine 4538 with isoleucine.
Molecular consequence: missense variant.
Genome position (GRCh38, 1-based): chr7:82,879,379, G>T on the plus strand (C>A on the coding strand, the complement: PCLO is on the minus strand). VCF-style: chr7-82879379-G-T. GRCh37 (hg19) VCF-style: chr7-82508695-G-T.
Other names: c.13612C>A, p.Leu4538Ile (NM_014510.3); short protein forms L4538I.
Identifiers: ClinVar variation 3772518 (VCV003772518.13).
Genomic context (GRCh38, chr7:82,879,379, plus strand): 5'-AAAATTCCTTATTCTTACCTTCCATAAGCTTCCCCGTCTGTTCCGCACTTCCCCCAGGAA[G>T]AATCTTGGCAATATAGGCTCCAATTTCTCCACTATGTCCCGGGATTTCTTTACCACCCAC-3'
Protein context (NP_149015.2, residues 4528-4548): GEIGAYIAKI[Leu4538Ile]PGGSAEQTGK

ClinVar aggregate classification (germline): Uncertain significance (1 of 4 stars; one submission).

gnomAD v4.1: 9 of 1,612,406 alleles (0.00056%); highest among the groups gnomAD compares: Middle Eastern, 0.033%; no homozygotes.

Submission:

CeGaT Center for Human Genetics Tuebingen
Classification: Uncertain significance. Last evaluated: 2025-02-01. Review status: criteria provided, single submitter. Criteria: CeGaT Center For Human Genetics Tuebingen Variant Classification Criteria Version 2. Collection method: clinical testing. Allele origin: germline. Affected: yes. Observed: 1 variant allele.
Comment: PCLO: PM2